The following is an entry in ClinVar:

NM_017514.5(PLXNA3):c.2570G>A (p.Arg857Gln)

Gene: PLXNA3 (plexin A3; plus strand). Cytogenetic location: Xq28.
Variant type: single nucleotide variant.
Coding change: c.2570G>A on transcript NM_017514.5 (MANE Select); coding-DNA position 2570, G replaced by A.
Protein change: p.Arg857Gln; replaces arginine 857 with glutamine.
Molecular consequence: missense variant.
Genome position (GRCh38, 1-based): chrX:154,465,972, G>A. VCF-style: chrX-154465972-G-A. GRCh37 (hg19) VCF-style: chrX-153694315-G-A.
Other names: c.2570G>A (NM_017514.3); short protein forms R857Q.
Identifiers: ClinVar variation 2630567 (VCV002630567.3), dbSNP rs147960153, ClinGen allele CA10564410.

ClinVar aggregate classification (germline): Uncertain significance. Review status: criteria provided, single submitter (1 of 4 stars). 2 submissions from 2 submitters: Uncertain significance (1). 1 of the submissions does not count toward it. Last evaluated 2023-12-17.

Conditions:
PLXNA3-related disorder. Also called: PLXNA3-related condition.

Allele frequency attached by ClinVar (database versions not stated): gnomAD exomes 0.00002; gnomAD 0.00004; ESP Exome Variant Server 0.00009; TOPMed 0.00009.
gnomAD v4.1: 22 of 1,209,973 alleles (0.0018%); highest among the groups gnomAD compares: East Asian, 0.0059%; no homozygotes.

Submissions (2):

Ambry Genetics
Classification: Uncertain significance. Last evaluated: 2023-12-17. Review status: criteria provided, single submitter. Criteria: Ambry Variant Classification Scheme 2023. Collection method: clinical testing. Allele origin: germline.

PreventionGenetics, part of Exact Sciences
Classification: Uncertain significance for PLXNA3-related condition. Last evaluated: 2024-08-05. Review status: no assertion criteria provided. Collection method: clinical testing. Allele origin: germline. Not counted in ClinVar's aggregate classification.
Comment: The PLXNA3 c.2570G>A variant is predicted to result in the amino acid substitution p.Arg857Gln. To our knowledge, this variant has not been reported in the literature. This variant is reported in 0.013% of alleles in individuals of East Asian descent in gnomAD, and it is documented in five hemizygotes. Although we suspect that this variant may be benign, at this time, the clinical significance is uncertain due to the absence of conclusive functional and genetic evidence.